The following is an entry in ClinVar:

NM_018979.4(WNK1):c.4939C>G (p.Pro1647Ala)

Gene: WNK1 (WNK lysine deficient protein kinase 1; plus strand). Cytogenetic location: 12p13.33.
Variant type: single nucleotide variant.
Coding change: c.4939C>G on transcript NM_018979.4 (MANE Select); coding-DNA position 4939, C replaced by G.
Protein change: p.Pro1647Ala; replaces proline 1647 with alanine.
Molecular consequence: missense variant.
Genome position (GRCh38, 1-based): chr12:885,743, C>G. VCF-style: chr12-885743-C-G. GRCh37 (hg19) VCF-style: chr12-994909-C-G.
Other names: c.5719C>G, p.Pro1907Ala (NM_001184985.2); c.4198C>G, p.Pro1400Ala (NM_014823.3); c.5695C>G, p.Pro1899Ala (NM_213655.5); short protein forms P1899A, P1400A, P1647A, P1907A.
Identifiers: ClinVar variation 662477 (VCV000662477.8), dbSNP rs1592176175, ClinGen allele CA383332257.

ClinVar aggregate classification (germline): Uncertain significance (1 of 4 stars; one submission).

Conditions:
Pseudohypoaldosteronism type 2C (PHA2C). Also called: Pseudohypoaldosteronism Type IIC. Identifiers: Orphanet 757, Orphanet 88940, MedGen C1840391, MONDO:0013778, OMIM 614492.
Neuropathy, hereditary sensory and autonomic, type 2A (HSAN2A). Also called: ACROOSTEOLYSIS, GIACCAI TYPE; ACROOSTEOLYSIS, NEUROGENIC; HSAN IIA; WNK1-Related HSAN2 (HSAN2A); MORVAN DISEASE; NEUROPATHY, CONGENITAL SENSORY. Identifiers: Orphanet 970, MedGen C2752089, MONDO:0024309, OMIM 201300.

Submission:

Labcorp Genetics (formerly Invitae), Labcorp
Classification: Uncertain significance for Neuropathy, hereditary sensory and autonomic, type 2A; Pseudohypoaldosteronism type 2C. Last evaluated: 2025-05-05. Review status: criteria provided, single submitter. Criteria: Invitae Variant Classification Sherloc (09022015). Collection method: clinical testing. Allele origin: germline.
Comment: This sequence change replaces proline, which is neutral and non-polar, with alanine, which is neutral and non-polar, at codon 1899 of the WNK1 protein (p.Pro1899Ala). This variant is not present in population databases (gnomAD no frequency). This variant has not been reported in the literature in individuals affected with WNK1-related conditions. ClinVar contains an entry for this variant (Variation ID: 662477). Invitae Evidence Modeling of protein sequence and biophysical properties (such as structural, functional, and spatial information, amino acid conservation, physicochemical variation, residue mobility, and thermodynamic stability) indicates that this missense variant is not expected to disrupt WNK1 protein function with a negative predictive value of 95%. In summary, the available evidence is currently insufficient to determine the role of this variant in disease. Therefore, it has been classified as a Variant of Uncertain Significance.